The following is an entry in ClinVar:

ClinVar aggregate classification (germline): Uncertain significance. Review status: criteria provided, multiple submitters, no conflicts (2 of 4 stars). 2 submissions from 2 submitters: Uncertain significance (2). Last evaluated 2025-07-07.

Submissions (2):

Dasa
Classification: Uncertain significance. Last evaluated: 2025-07-07. Review status: criteria provided, single submitter. Criteria: DASA Assertion Criteria. Collection method: clinical testing. Allele origin: germline.
Comment: NM_005639.3(SYT1):c.404A>G (p.Glu135Gly) is a missense variant that results in the substitution of glutamic acid with glycine. This variant is absent from population databases. Computational prediction algorithms are consistent with a benign effect. The currently available literature and clinical evidence are not sufficient to establish a definitive association between this variant and the reported condition. Therefore, this variant is classified as a variant of uncertain significance.

GeneDx
Classification: Uncertain significance. Last evaluated: 2024-09-10. Review status: criteria provided, single submitter. Criteria: GeneDx Variant Classification Process June 2021. Collection method: clinical testing. Allele origin: germline. Affected: yes.
Comment: Not observed in large population cohorts (gnomAD); In silico analysis supports that this missense variant has a deleterious effect on protein structure/function; Has not been previously published as pathogenic or benign to our knowledge

NM_005639.3(SYT1):c.404A>G (p.Glu135Gly)

Gene: SYT1 (synaptotagmin 1; plus strand). Cytogenetic location: 12q21.2.
Variant type: single nucleotide variant.
Coding change: c.404A>G on transcript NM_005639.3 (MANE Select); coding-DNA position 404, A replaced by G.
Protein change: p.Glu135Gly; replaces glutamic acid 135 with glycine.
Molecular consequence: missense variant.
Genome position (GRCh38, 1-based): chr12:79,292,060, A>G. VCF-style: chr12-79292060-A-G. GRCh37 (hg19) VCF-style: chr12-79685840-A-G.
Other names: c.404A>G, p.Glu135Gly (NM_001135805.2, NM_001135806.2); c.395A>G, p.Glu132Gly (NM_001291901.2); short protein forms E132G, E135G.
Identifiers: ClinVar variation 1312768 (VCV001312768.5), dbSNP rs2138851277, ClinGen allele CA385929371.